The following is an entry in ClinVar:

NM_001261826.3(AP3D1):c.2489_2490del (p.Pro830fs)

Gene: AP3D1 (adaptor related protein complex 3 subunit delta 1; minus strand). Cytogenetic location: 19p13.3.
Variant type: Deletion.
Coding change: c.2489_2490del on transcript NM_001261826.3 (MANE Select); coding-DNA positions 2489 to 2490, 2 bases deleted (CT; older notation c.2489_2490delCT).
Protein change: p.Pro830fs; shifts the reading frame from proline 830.
Molecular consequence: frameshift variant.
Genome position (GRCh38, 1-based): chr19:2,114,236-2,114,237, AG deleted on the plus strand (CT on the coding strand, the reverse complement: AP3D1 is on the minus strand). VCF-style (leftmost placement, unchanged base first): chr19-2114235-CAG-C. GRCh37 (hg19) VCF-style: chr19-2114234-CAG-C.
Other names: c.2489_2490del, p.Pro830fs (NM_001374799.1, NM_003938.8); short protein forms P830fs.
Identifiers: ClinVar variation 3604344 (VCV003604344.2).

ClinVar aggregate classification (germline): Uncertain significance (1 of 4 stars; one submission).

Submission:

Labcorp Genetics (formerly Invitae), Labcorp
Classification: Uncertain significance. Last evaluated: 2024-03-26. Review status: criteria provided, single submitter. Criteria: Invitae Variant Classification Sherloc (09022015). Collection method: clinical testing. Allele origin: germline.
Comment: This sequence change creates a premature translational stop signal (p.Pro830Argfs*39) in the AP3D1 gene. It is expected to result in an absent or disrupted protein product. However, the current clinical and genetic evidence is not sufficient to establish whether loss-of-function variants in AP3D1 cause disease. This variant is not present in population databases (gnomAD no frequency). This variant has not been reported in the literature in individuals affected with AP3D1-related conditions. In summary, the available evidence is currently insufficient to determine the role of this variant in disease. Therefore, it has been classified as a Variant of Uncertain Significance.